The following is an entry in ClinVar:

ClinVar aggregate classification (germline): Likely benign (1 of 4 stars; one submission).

Allele frequency attached by ClinVar (database versions not stated): gnomAD exomes 0.00024; gnomAD 0.00229; TOPMed 0.00266; ExAC 0.00069; 1000 Genomes Project 0.00200; ESP Exome Variant Server 0.00208; 1000 Genomes Project 30x 0.00219.
gnomAD v4.1: 694 of 1,612,814 alleles (0.043%); highest among the groups gnomAD compares: African/African-American, 0.82%; 3 homozygotes.

Submission:

CeGaT Center for Human Genetics Tuebingen
Classification: Likely benign. Last evaluated: 2022-10-01. Review status: criteria provided, single submitter. Criteria: CeGaT Center For Human Genetics Tuebingen Variant Classification Criteria Version 2. Collection method: clinical testing. Allele origin: germline. Affected: yes. Observed: 1 variant allele.
Comment: DIDO1: BP4, BP7

NM_001193369.2(DIDO1):c.4287G>A (p.Glu1429=)

Gene: DIDO1 (death inducer-obliterator 1; minus strand). Cytogenetic location: 20q13.33.
Variant type: single nucleotide variant.
Coding change: c.4287G>A on transcript NM_001193369.2 (MANE Select); coding-DNA position 4287, G replaced by A.
Protein change: p.Glu1429=; no amino-acid change (glutamic acid 1429 retained).
Molecular consequence: synonymous variant.
Genome position (GRCh38, 1-based): chr20:62,881,669, C>T on the plus strand (G>A on the coding strand, the complement: DIDO1 is on the minus strand). VCF-style: chr20-62881669-C-T. GRCh37 (hg19) VCF-style: chr20-61513021-C-T.
Other names: c.4287G>A, p.Glu1429= (NM_033081.3).
Identifiers: ClinVar variation 2652513 (VCV002652513.24), dbSNP rs77978751, ClinGen allele CA9951282.